The following is an entry in ClinVar:

ClinVar aggregate classification (germline): Uncertain significance (1 of 4 stars; one submission).

Allele frequency attached by ClinVar (database versions not stated): ExAC 0.00003; TOPMed 0.00003; gnomAD exomes 0.00005; ESP Exome Variant Server 0.00008.

Submission:

Labcorp Genetics (formerly Invitae), Labcorp
Classification: Uncertain significance. Last evaluated: 2022-03-29. Review status: criteria provided, single submitter. Criteria: Invitae Variant Classification Sherloc (09022015). Collection method: clinical testing. Allele origin: germline.
Comment: ClinVar contains an entry for this variant (Variation ID: 1044980). This sequence change replaces threonine, which is neutral and polar, with methionine, which is neutral and non-polar, at codon 565 of the ZNF408 protein (p.Thr565Met). This variant is present in population databases (rs370071003, gnomAD 0.03%). This variant has not been reported in the literature in individuals affected with ZNF408-related conditions. Algorithms developed to predict the effect of missense changes on protein structure and function are either unavailable or do not agree on the potential impact of this missense change (SIFT: "Deleterious"; PolyPhen-2: "Probably Damaging"; Align-GVGD: "Class C0"). In summary, the available evidence is currently insufficient to determine the role of this variant in disease. Therefore, it has been classified as a Variant of Uncertain Significance.

NM_024741.3(ZNF408):c.1694C>T (p.Thr565Met)

Gene: ZNF408 (zinc finger protein 408; plus strand). Cytogenetic location: 11p11.2.
Variant type: single nucleotide variant.
Coding change: c.1694C>T on transcript NM_024741.3 (MANE Select); coding-DNA position 1694, C replaced by T.
Protein change: p.Thr565Met; replaces threonine 565 with methionine.
Molecular consequence: missense variant.
Genome position (GRCh38, 1-based): chr11:46,705,394, C>T. VCF-style: chr11-46705394-C-T. GRCh37 (hg19) VCF-style: chr11-46726944-C-T.
Other names: c.1670C>T, p.Thr557Met (NM_001184751.2); short protein forms T565M, T557M.
Identifiers: ClinVar variation 1044980 (VCV001044980.8), dbSNP rs370071003, ClinGen allele CA5966624.